The following is an entry in ClinVar:

ClinVar aggregate classification (germline): Uncertain significance (1 of 4 stars; one submission).

Conditions:
Hereditary sensory neuropathy-deafness-dementia syndrome. Also called: NEUROPATHY, HEREDITARY SENSORY, WITH HEARING LOSS AND DEMENTIA; Hereditary sensory neuropathy type IE; HSN IE; Hereditary Sensory and Autonomic Neuropathy Type 1E (HSAN1E). Identifiers: Orphanet 456318, MedGen C3279885, MONDO:0013584, OMIM 614116.

Allele frequency attached by ClinVar (database versions not stated): gnomAD 0.00001; TOPMed 0.00002.
gnomAD v4.1: 3 of 1,614,072 alleles (0.00019%); highest among the groups gnomAD compares: Non-Finnish European, 0.00025%; no homozygotes.

Submission:

Labcorp Genetics (formerly Invitae), Labcorp
Classification: Uncertain significance for Hereditary sensory neuropathy-deafness-dementia syndrome. Last evaluated: 2026-01-05. Review status: criteria provided, single submitter. Criteria: Invitae Variant Classification Sherloc (09022015). Collection method: clinical testing. Allele origin: germline.
Comment: This sequence change falls in intron 16 of the DNMT1 gene. It does not directly change the encoded amino acid sequence of the DNMT1 protein. It affects a nucleotide within the consensus splice site. This variant is present in population databases (no rsID available, gnomAD 0.0009%). This variant has not been reported in the literature in individuals affected with DNMT1-related conditions. ClinVar contains an entry for this variant (Variation ID: 641640). Variants that disrupt the consensus splice site are a relatively common cause of aberrant splicing (PMID: 17576681, 9536098). Algorithms developed to predict the effect of sequence changes on RNA splicing suggest that this variant may disrupt the consensus splice site. In summary, the available evidence is currently insufficient to determine the role of this variant in disease. Therefore, it has been classified as a Variant of Uncertain Significance.

Literature cited by the submitters: PubMed 17576681; PubMed 9536098.

NM_001130823.3(DNMT1):c.1170+5G>C

Gene: DNMT1 (DNA methyltransferase 1; minus strand). Cytogenetic location: 19p13.2.
Variant type: single nucleotide variant.
Coding change: c.1170+5G>C on transcript NM_001130823.3 (MANE Select); 5 bases into the intron after coding-DNA position 1170, G replaced by C.
Molecular consequence: intron variant.
Genome position (GRCh38, 1-based): chr19:10,159,837, C>G on the plus strand (G>C on the coding strand, the complement: DNMT1 is on the minus strand). VCF-style: chr19-10159837-C-G. GRCh37 (hg19) VCF-style: chr19-10270513-C-G.
Other names: c.1170+5G>C (LRG_362t1); c.807+5G>C (NM_001318731.2); c.1122+5G>C (NM_001379.4, NM_001318730.2).
Identifiers: ClinVar variation 641640 (VCV000641640.7), dbSNP rs745767142, ClinGen allele CA305173665.
Genomic context (GRCh38, chr19:10,159,837, plus strand): 5'-ACGGGGCTGGTGAGCAGTGGGACAAGGGACAGGCAGAGGAAGGCTGGGAAGAGAGCTGTA[C>G]GTACCGCGTCTGGTGGGTGCTGCCCATATTTGAGGTCAGGGTCGTCCAGGTACTGCCCGC-3'